The following is an entry in ClinVar:

NM_013447.4(ADGRE2):c.843C>A (p.Phe281Leu)

Gene: ADGRE2 (adhesion G protein-coupled receptor E2; minus strand). Cytogenetic location: 19p13.12.
Variant type: single nucleotide variant.
Coding change: c.843C>A on transcript NM_013447.4 (MANE Select); coding-DNA position 843, C replaced by A.
Protein change: p.Phe281Leu; replaces phenylalanine 281 with leucine.
Molecular consequence: missense variant.
Genome position (GRCh38, 1-based): chr19:14,765,383, G>T on the plus strand (C>A on the coding strand, the complement: ADGRE2 is on the minus strand). VCF-style: chr19-14765383-G-T. GRCh37 (hg19) VCF-style: chr19-14876195-G-T.
Other names: c.843C>A, p.Phe281Leu (NM_001271052.1); short protein forms F281L.
Identifiers: ClinVar variation 787483 (VCV000787483.12), dbSNP rs61744931, ClinGen allele CA9257875.
Genomic context (GRCh38, chr19:14,765,383, plus strand): 5'-GATGGTGTTATTGGCCAAGCCTGGCTTGTAGTCTCTGCCCAGGTCCTGGACTTTGTCGAA[G>T]AATCGGGAAAGCGTCTGCAGAGAGAGGAGATGTGGGGGTCAGAGAGCCTGGACGGCGGGT-3'
Protein context (NP_038475.2, residues 271-291): PGVHSQTLSR[Phe281Leu]FDKVQDLGRD

ClinVar aggregate classification (germline): Benign. Review status: criteria provided, multiple submitters, no conflicts (2 of 4 stars). 3 submissions from 3 submitters: Benign (2). 1 of the submissions does not count toward it. Last evaluated 2026-02-04.

Conditions:
ADGRE2-related disorder. Also called: ADGRE2-related condition.

Allele frequency attached by ClinVar (database versions not stated): gnomAD exomes 0.00255 and 0.00736; ExAC 0.00932; gnomAD 0.02821 and 0.03040; TOPMed 0.02989; 1000 Genomes Project 0.03195; ESP Exome Variant Server 0.03460; 1000 Genomes Project 30x 0.03607.
gnomAD v4.1: 8,140 of 1,613,950 alleles (0.5%); highest among the groups gnomAD compares: African/African-American, 9.9%; 309 homozygotes.

Submissions (3):

Labcorp Genetics (formerly Invitae), Labcorp
Classification: Benign. Last evaluated: 2026-02-04. Review status: criteria provided, single submitter. Criteria: Invitae Variant Classification Sherloc (09022015). Collection method: clinical testing. Allele origin: germline.

Breakthrough Genomics
Classification: Benign. Review status: criteria provided, single submitter. Criteria: ACMG Guidelines, 2015. Collection method: not provided. Allele origin: germline. Inheritance: Autosomal dominant inheritance. Affected: yes.

PreventionGenetics, part of Exact Sciences
Classification: Benign for ADGRE2-related condition. Last evaluated: 2020-03-03. Review status: no assertion criteria provided. Collection method: clinical testing. Allele origin: germline. Not counted in ClinVar's aggregate classification.
Comment: This variant is classified as benign based on ACMG/AMP sequence variant interpretation guidelines (Richards et al. 2015 PMID: 25741868, with internal and published modifications).